The following is an entry in ClinVar:

ClinVar aggregate classification (germline): Uncertain significance (1 of 4 stars; one submission).

Conditions:
Developmental and epileptic encephalopathy, 34 (DEE34). Also called: SLC12A5-Related Epilepsy of Infancy with Migrating Focal Seizures; Early infantile epileptic encephalopathy 34. Identifiers: Orphanet 293181, MedGen C4225257, MONDO:0014718, OMIM 616645.

Submission:

Labcorp Genetics (formerly Invitae), Labcorp
Classification: Uncertain significance for Developmental and epileptic encephalopathy, 34. Last evaluated: 2022-03-14. Review status: criteria provided, single submitter. Criteria: Invitae Variant Classification Sherloc (09022015). Collection method: clinical testing. Allele origin: germline.
Comment: This variant is not present in population databases (gnomAD no frequency). This sequence change replaces isoleucine, which is neutral and non-polar, with valine, which is neutral and non-polar, at codon 431 of the SLC12A5 protein (p.Ile431Val). This variant has not been reported in the literature in individuals affected with SLC12A5-related conditions. In summary, the available evidence is currently insufficient to determine the role of this variant in disease. Therefore, it has been classified as a Variant of Uncertain Significance. Algorithms developed to predict the effect of missense changes on protein structure and function are either unavailable or do not agree on the potential impact of this missense change (SIFT: "Deleterious"; PolyPhen-2: "Probably Damaging"; Align-GVGD: "Class C0").

NM_020708.5(SLC12A5):c.1291A>G (p.Ile431Val)

Gene: SLC12A5 (solute carrier family 12 member 5; plus strand). Cytogenetic location: 20q13.12.
Variant type: single nucleotide variant.
Coding change: c.1291A>G on transcript NM_020708.5 (MANE Select); coding-DNA position 1291, A replaced by G.
Protein change: p.Ile431Val; replaces isoleucine 431 with valine.
Molecular consequence: missense variant.
Genome position (GRCh38, 1-based): chr20:46,043,686, A>G. VCF-style: chr20-46043686-A-G. GRCh37 (hg19) VCF-style: chr20-44672325-A-G.
Other names: c.1360A>G, p.Ile454Val (NM_001134771.2); short protein forms I431V, I454V.
Identifiers: ClinVar variation 2110307 (VCV002110307.4), dbSNP rs2515641710, ClinGen allele CA409192926.
Genomic context (GRCh38, chr20:46,043,686, plus strand): 5'-TTTGCAGGGATCATGGCTGGTTCTAACCGCTCTGGGGACCTGAGGGATGCCCAGAAGTCA[A>G]TCCCCACTGGCACCATCCTGGCCATCGCCACCACCTCTGCTGTCTGTATCCTGCACAGCT-3'
Protein context (NP_065759.1, residues 421-441): SGDLRDAQKS[Ile431Val]PTGTILAIAT